The following is an entry in ClinVar:

ClinVar aggregate classification (germline): Uncertain significance (1 of 4 stars; one submission).

Conditions:
Hypertrophic cardiomyopathy 14. Identifiers: MedGen C2750467, MONDO:0013197, OMIM 613251.

Submission:

Labcorp Genetics (formerly Invitae), Labcorp
Classification: Uncertain significance for Hypertrophic cardiomyopathy 14. Last evaluated: 2023-06-04. Review status: criteria provided, single submitter. Criteria: Invitae Variant Classification Sherloc (09022015). Collection method: clinical testing. Allele origin: germline.
Comment: In summary, the available evidence is currently insufficient to determine the role of this variant in disease. Therefore, it has been classified as a Variant of Uncertain Significance. Advanced modeling of protein sequence and biophysical properties (such as structural, functional, and spatial information, amino acid conservation, physicochemical variation, residue mobility, and thermodynamic stability) performed at Invitae indicates that this missense variant is not expected to disrupt MYH6 protein function. This variant has not been reported in the literature in individuals affected with MYH6-related conditions. This variant is not present in population databases (gnomAD no frequency). This sequence change replaces valine, which is neutral and non-polar, with alanine, which is neutral and non-polar, at codon 1409 of the MYH6 protein (p.Val1409Ala).

NM_002471.4(MYH6):c.4226T>C (p.Val1409Ala)

Gene: MYH6 (myosin heavy chain 6; minus strand). Cytogenetic location: 14q11.2.
Variant type: single nucleotide variant.
Coding change: c.4226T>C on transcript NM_002471.4 (MANE Select); coding-DNA position 4226, T replaced by C.
Protein change: p.Val1409Ala; replaces valine 1409 with alanine.
Molecular consequence: missense variant.
Genome position (GRCh38, 1-based): chr14:23,388,288, A>G on the plus strand (T>C on the coding strand, the complement: MYH6 is on the minus strand). VCF-style: chr14-23388288-A-G. GRCh37 (hg19) VCF-style: chr14-23857497-A-G.
Other names: short protein forms V1409A.
Identifiers: ClinVar variation 2785487 (VCV002785487.3), dbSNP rs2502150054, ClinGen allele CA388999479.
Genomic context (GRCh38, chr14:23,388,288, plus strand): 5'-TCCTCTATCTCATTCTGTAGCCGGTGCTTGGTCTTCTCCAGTGAGGAGCACTTGGCATTA[A>G]CAGCCTCCACGGCCTCCTCGGCATCCTGCAGCCGCTGGGCCAGCTTCTTTCTGCCCAGGT-3'
Protein context (NP_002462.2, residues 1399-1419): LQDAEEAVEA[Val1409Ala]NAKCSSLEKT